The following is an entry in ClinVar:

ClinVar aggregate classification (germline): Likely benign (1 of 4 stars; one submission).

Conditions:
TUBA4A-related disorder. Also called: TUBA4A-related condition.

Submission:

PreventionGenetics, part of Exact Sciences
Classification: Likely benign for TUBA4A-related condition. Last evaluated: 2025-02-13. Review status: criteria provided, single submitter. Criteria: ACMG Guidelines, 2015. Collection method: clinical testing. Allele origin: germline.
Comment: This variant is classified as likely benign based on ACMG/AMP sequence variant interpretation guidelines (Richards et al. 2015 PMID: 25741868, with internal and published modifications).

NM_006000.3(TUBA4A):c.471C>G (p.Leu157=)

Gene: TUBA4A (tubulin alpha 4a; minus strand). Cytogenetic location: 2q35.
Variant type: single nucleotide variant.
Coding change: c.471C>G on transcript NM_006000.3 (MANE Select); coding-DNA position 471, C replaced by G.
Protein change: p.Leu157=; no amino-acid change (leucine 157 retained).
Molecular consequence: synonymous variant.
Genome position (GRCh38, 1-based): chr2:219,251,228, G>C on the plus strand (C>G on the coding strand, the complement: TUBA4A is on the minus strand). VCF-style: chr2-219251228-G-C. GRCh37 (hg19) VCF-style: chr2-220115950-G-C.
Other names: c.426C>G, p.Leu142= (NM_001278552.2).
Identifiers: ClinVar variation 4990000 (VCV004990000.1).